The following is an entry in ClinVar:

ClinVar aggregate classification (germline): Uncertain significance (1 of 4 stars; one submission).

Allele frequency attached by ClinVar (database versions not stated): gnomAD exomes below 0.00001.

Submission:

GeneDx
Classification: Uncertain significance. Last evaluated: 2026-09-02. Review status: criteria provided, single submitter. Criteria: GeneDx Variant Classification Process June 2021. Collection method: clinical testing. Allele origin: germline.
Comment: Observed in large aggregate dataset examining de novo variants in patients with various developmental disorders (PMID: 33057194, 35982159); Not observed at significant frequency in large population cohorts (gnomAD); In silico analysis suggests that this missense variant does not alter protein structure/function; This variant is associated with the following publications: (PMID: 35982159, 33057194)

NM_182641.4(BPTF):c.3664A>G (p.Ser1222Gly)

Gene: BPTF (bromodomain PHD finger transcription factor; plus strand). Cytogenetic location: 17q24.2.
Variant type: single nucleotide variant.
Coding change: c.3664A>G on transcript NM_182641.4 (MANE Select); coding-DNA position 3664, A replaced by G.
Protein change: p.Ser1222Gly; replaces serine 1222 with glycine.
Molecular consequence: missense variant.
Genome position (GRCh38, 1-based): chr17:67,911,548, A>G. VCF-style: chr17-67911548-A-G. GRCh37 (hg19) VCF-style: chr17-65907664-A-G.
Other names: c.4042A>G, p.Ser1348Gly (NM_004459.7); short protein forms S1222G, S1348G.
Identifiers: ClinVar variation 1310681 (VCV001310681.3), dbSNP rs2062654435, ClinGen allele CA400727042.